The following is an entry in ClinVar:

ClinVar aggregate classification (germline): Conflicting classifications of pathogenicity. Review status: criteria provided, conflicting classifications (1 of 4 stars). 3 submissions from 3 submitters: Uncertain significance (2); Likely benign (1). Last evaluated 2026-04-01.

Allele frequency attached by ClinVar (database versions not stated): gnomAD 0.00001 and 0.00003; gnomAD exomes 0.00002 and 0.00004; TOPMed 0.00002; ExAC 0.00005; 1000 Genomes Project 0.00040; 1000 Genomes Project 30x 0.00047.
gnomAD v4.1: 49 of 1,611,582 alleles (0.003%); highest among the groups gnomAD compares: East Asian, 0.018%; 1 homozygote.

Submissions (3):

CeGaT Center for Human Genetics Tuebingen
Classification: Likely benign. Last evaluated: 2026-04-01. Review status: criteria provided, single submitter. Criteria: CeGaT Center For Human Genetics Tuebingen Variant Classification Criteria Version 2. Collection method: clinical testing. Allele origin: germline. Affected: yes. Observed: 1 variant allele.
Comment: SKIC2: BP4

Labcorp Genetics (formerly Invitae), Labcorp
Classification: Uncertain significance. Last evaluated: 2022-05-13. Review status: criteria provided, single submitter. Criteria: Invitae Variant Classification Sherloc (09022015). Collection method: clinical testing. Allele origin: germline.
Comment: This sequence change replaces glutamic acid, which is acidic and polar, with lysine, which is basic and polar, at codon 225 of the SKIV2L protein (p.Glu225Lys). This variant is present in population databases (rs74660126, gnomAD 0.02%). This variant has not been reported in the literature in individuals affected with SKIV2L-related conditions. ClinVar contains an entry for this variant (Variation ID: 1163850). Algorithms developed to predict the effect of missense changes on protein structure and function (SIFT, PolyPhen-2, Align-GVGD) all suggest that this variant is likely to be tolerated. In summary, the available evidence is currently insufficient to determine the role of this variant in disease. Therefore, it has been classified as a Variant of Uncertain Significance.

Mayo Clinic Laboratories, Mayo Clinic
Classification: Uncertain significance. Last evaluated: 2020-02-05. Review status: criteria provided, single submitter. Criteria: ACMG Guidelines, 2015. Collection method: clinical testing. Allele origin: germline. Observed: 1 variant allele.

NM_006929.5(SKIC2):c.673G>A (p.Glu225Lys)

Gene: SKIC2 (SKI2 subunit of superkiller complex; plus strand). Cytogenetic location: 6p21.33.
Variant type: single nucleotide variant.
Coding change: c.673G>A on transcript NM_006929.5 (MANE Select); coding-DNA position 673, G replaced by A.
Protein change: p.Glu225Lys; replaces glutamic acid 225 with lysine.
Molecular consequence: missense variant.
Genome position (GRCh38, 1-based): chr6:31,961,270, G>A. VCF-style: chr6-31961270-G-A. GRCh37 (hg19) VCF-style: chr6-31929047-G-A.
Other names: short protein forms E225K.
Identifiers: ClinVar variation 1163850 (VCV001163850.11), dbSNP rs74660126, ClinGen allele CA3729234.